The following is an entry in ClinVar:

NM_005476.7(GNE):c.2111C>G (p.Pro704Arg)

Gene: GNE (glucosamine (UDP-N-acetyl)-2-epimerase/N-acetylmannosamine kinase; minus strand). Cytogenetic location: 9p13.3.
Variant type: single nucleotide variant.
Coding change: c.2111C>G on transcript NM_005476.7 (MANE Select); coding-DNA position 2111, C replaced by G.
Protein change: p.Pro704Arg; replaces proline 704 with arginine.
Molecular consequence: missense variant.
Genome position (GRCh38, 1-based): chr9:36,217,423, G>C on the plus strand (C>G on the coding strand, the complement: GNE is on the minus strand). VCF-style: chr9-36217423-G-C. GRCh37 (hg19) VCF-style: chr9-36217420-G-C.
Other names: c.2204C>G, p.Pro735Arg (NM_001128227.3); c.1889C>G, p.Pro630Arg (NM_001190383.3); c.1781C>G, p.Pro594Arg (NM_001190384.3); c.1934C>G, p.Pro645Arg (NM_001190388.2, NM_001374798.1); c.1958C>G, p.Pro653Arg (NM_001374797.1); short protein forms P594R, P630R, P645R, P653R, P704R, P735R.
Identifiers: ClinVar variation 4068802 (VCV004068802.3).

ClinVar aggregate classification (germline): Likely pathogenic. Review status: criteria provided, single submitter (1 of 4 stars). 2 submissions from 2 submitters: Likely pathogenic (1). 1 of the submissions does not count toward it. Last evaluated 2025-02-07.

Conditions:
Thrombocytopenia 12 with or without myopathy (THC12). Identifiers: MedGen C5935593, MONDO:0958325, OMIM 620757.
GNE myopathy (NM). Also called: NONAKA DISTAL MYOPATHY; INCLUSION BODY MYOPATHY, HEREDITARY, AUTOSOMAL RECESSIVE; INCLUSION BODY MYOPATHY 2, AUTOSOMAL RECESSIVE; MYOPATHY, DISTAL, WITH OR WITHOUT RIMMED VACUOLES; IBM 2; Inclusion body myopathy autosomal recessive. Identifiers: Orphanet 602, MedGen C1853926, MONDO:0011603, OMIM 605820.

Submissions (2):

Natera, Inc.
Classification: Likely pathogenic for Nonaka myopathy. Last evaluated: 2025-02-07. Review status: criteria provided, single submitter. Criteria: Natera Variant Classification Schema (03/2026). Collection method: clinical testing. Allele origin: germline.
Comment: The c.2204C>G variant in GNE is a missense variant predicted to cause substitution of proline to arginine at amino acid 735. This variant is rare in the general population with a frequency below the threshold expected for the associated phenotype(s). Functional studies show that this variant may disrupt protein function (PMID: 38237079). Computational prediction algorithms indicate this variant is likely to affect gene or protein function. Given the available evidence, this variant is classified as Likely Pathogenic.

OMIM
Classification: Pathogenic for THROMBOCYTOPENIA 12 WITHOUT MYOPATHY. Last evaluated: 2026-10-29. Review status: no assertion criteria provided. Collection method: literature only. Allele origin: germline. Not counted in ClinVar's aggregate classification.

Literature cited by the submitters: PubMed 38237079 (cited by Natera, Inc. and OMIM).